The following is an entry in ClinVar:

NM_001379500.1(COL18A1):c.766G>A (p.Gly256Arg)

Gene: COL18A1 (collagen type XVIII alpha 1 chain; plus strand). Cytogenetic location: 21q22.3.
Variant type: single nucleotide variant.
Coding change: c.766G>A on transcript NM_001379500.1 (MANE Select); coding-DNA position 766, G replaced by A.
Protein change: p.Gly256Arg; replaces glycine 256 with arginine.
Molecular consequence: missense variant.
Genome position (GRCh38, 1-based): chr21:45,475,503, G>A. VCF-style: chr21-45475503-G-A. GRCh37 (hg19) VCF-style: chr21-46895417-G-A.
Other names: NM_130445.2:c.766G>A; c.1306G>A, p.Gly436Arg (NM_030582.4); c.2011G>A, p.Gly671Arg (NM_130444.3); short protein forms G436R, G671R, G256R.
Identifiers: ClinVar variation 1488489 (VCV001488489.4), dbSNP rs574811209, ClinGen allele CA10065884.

ClinVar aggregate classification (germline): Uncertain significance. Review status: criteria provided, multiple submitters, no conflicts (2 of 4 stars). 2 submissions from 2 submitters: Uncertain significance (2). Last evaluated 2023-08-02.

Conditions:
Inborn genetic diseases. Identifiers: MedGen C0950123, MeSH D030342.

Allele frequency attached by ClinVar (database versions not stated): ExAC 0.00003; 1000 Genomes Project 30x 0.00016; 1000 Genomes Project 0.00020.
gnomAD v4.1: 28 of 1,606,862 alleles (0.0017%); highest among the groups gnomAD compares: African/African-American, 0.023%; no homozygotes.

Submissions (2):

Ambry Genetics
Classification: Uncertain significance for Inborn genetic diseases. Last evaluated: 2023-08-02. Review status: criteria provided, single submitter. Criteria: Ambry Variant Classification Scheme 2023. Collection method: clinical testing. Allele origin: germline.

Labcorp Genetics (formerly Invitae), Labcorp
Classification: Uncertain significance. Last evaluated: 2021-07-24. Review status: criteria provided, single submitter. Criteria: Invitae Variant Classification Sherloc (09022015). Collection method: clinical testing. Allele origin: germline.
Comment: This sequence change replaces glycine with arginine at codon 256 of the COL18A1 protein (p.Gly256Arg). There is a moderate physicochemical difference between glycine and arginine. This variant is present in population databases (rs574811209, ExAC 0.02%). This variant has not been reported in the literature in individuals affected with COL18A1-related conditions. Experimental studies and prediction algorithms are not available or were not evaluated, and the functional significance of this variant is currently unknown. In summary, the available evidence is currently insufficient to determine the role of this variant in disease. Therefore, it has been classified as a Variant of Uncertain Significance.